The following continues an entry in ClinVar:

NM_032043.3(BRIP1):c.2684_2687del (p.Val894_Ser895insTer)

Gene: BRIP1. ClinVar aggregate classification (germline): Pathogenic/Likely pathogenic. Pathogenic (15); Likely pathogenic (2).

Submissions 11 to 20 of 20:

CeGaT Center for Human Genetics Tuebingen
Classification: Likely pathogenic. Last evaluated: 2023-06-01. Review status: criteria provided, single submitter. Criteria: CeGaT Center For Human Genetics Tuebingen Variant Classification Criteria Version 2. Collection method: clinical testing. Allele origin: germline. Affected: yes. Observed: 1 variant allele.
Comment: BRIP1: PVS1

Quest Diagnostics Nichols Institute San Juan Capistrano
Classification: Pathogenic. Last evaluated: 2023-05-23. Review status: criteria provided, single submitter. Criteria: Quest Diagnostics criteria. Collection method: clinical testing. Allele origin: unknown.
Comment: The BRIP1 c.2684_2687del (p.Ser895*) variant causes the premature termination of BRIP1 protein synthesis. This variant has been reported in the published literature in affected individuals with breast and/or ovarian cancer (PMIDs: 25330149 (2015), 28888541 (2017), 31173646 (2019), 32885271 (2021)) and pancreatic cancer (PMID: 29961768 (2019)). In a large scale breast cancer association study, it was reported in breast cancer cases as well as in a control (PMID: 33471991 (2021), see also LOVD). Based on the available information, this variant is classified as pathogenic.

Centre for Mendelian Genomics, University Medical Centre Ljubljana
Classification: Pathogenic for Familial cancer of breast. Last evaluated: 2022-12-09. Review status: criteria provided, single submitter. Criteria: ACMG Guidelines, 2015. Collection method: research. Allele origin: germline. Affected: no.
Comment: PVS1, PS4_STR

MGZ Medical Genetics Center
Classification: Pathogenic for Fanconi anemia complementation group J. Last evaluated: 2022-07-19. Review status: criteria provided, single submitter. Criteria: ACMG Guidelines, 2015. Collection method: clinical testing. Allele origin: germline. Affected: yes. Observed: 1 variant allele.
Comment: ACMG criteria applied: PVS1, PS4_MOD, PM2_SUP

Sema4
Classification: Pathogenic for Hereditary cancer-predisposing syndrome. Last evaluated: 2022-03-05. Review status: criteria provided, single submitter. Criteria: Sema4 Curation Guidelines. Collection method: curation. Allele origin: germline.
Comment: The BRIP1 c.2684_2687delCCAT (p.S895X) variant has been reported in at least 3 individuals with breast cancer, pancreatic cancer or gastrointestinal stromal tumor (PMID: 25330149, 29961768, 31589614, 32885271). The variant was also reported in a large breast cancer case control study in 2/60466 cases and 1/53461 controls (PMID: 33471991). This variant causes a frameshift that results in premature termination at position 895. At this location, this is predicted to cause nonsense-mediated decay and result in an absent protein (loss of function). Loss of function variants in BRIP1 are known to be pathogenic (PMID: 16116423, 17033622, 21964575). The variant was observed in 1/24966 chromosomes of the African/African American subpopulation in the large and broad cohorts of the Genome Aggregation Database (PMID: 32461654). The variant has been reported in ClinVar (Variation ID 241642). Based on the current evidence available, this variant is interpreted as pathogenic.

Blueprint Genetics
Classification: Likely pathogenic for BRIP1-related disorders. Last evaluated: 2022-02-21. Review status: criteria provided, single submitter. Criteria: ACMG Guidelines, 2015. Collection method: clinical testing. Allele origin: germline. Affected: yes. Observed: 1 variant allele.

Department of Molecular Diagnostics, Institute of Oncology Ljubljana
Classification: Pathogenic for Ovarian cancer. Last evaluated: 2020-04-02. Review status: criteria provided, single submitter. Criteria: ACMG Guidelines, 2015. Collection method: clinical testing. Allele origin: germline. Affected: yes.

CZECANCA consortium
Classification: Pathogenic for Carcinoma of pancreas. Last evaluated: 2021-03-04. Review status: no assertion criteria provided. Collection method: case-control. Allele origin: germline. Affected: yes. Observed: 1 variant allele. Not counted in ClinVar's aggregate classification.

CZECANCA consortium
Classification: Pathogenic for Breast and/or ovarian cancer. Last evaluated: 2019-06-11. Review status: no assertion criteria provided. Collection method: clinical testing. Allele origin: germline. Affected: yes. Observed: 1 variant allele. Not counted in ClinVar's aggregate classification.

Department of Pathology and Laboratory Medicine, Sinai Health System
Classification: Pathogenic for Malignant tumor of breast. Review status: no assertion criteria provided. Collection method: clinical testing. Allele origin: unknown. Affected: yes. Study: The Canadian Open Genetics Repository (COGR). Not counted in ClinVar's aggregate classification.
Comment: The BRIP1 p.Ser895* variant was identified in 2 of 26,714 proband chromosomes (frequency: 0.00007) from individuals breast cancer and was present in 1 of 10,484 control chromosomes (frequency: 0.00009) from healthy individuals (Cybulski 2015, Easton 2016). The variant was identified in dbSNP (rs760551339) as â€šÃ„Ãºwith pathogenic alleleâ€šÃ„Ã¹, ClinVar (interpreted as "pathogenic" by Invitae and 3 others). The variant was identified in control databases in 4 of 282,712 chromosomes at a frequency of 0.00001 (Genome Aggregation Database Feb 27, 2017). The variant was observed in the following populations: African in 1 of 24,966 chromosomes (freq: 0.00004), European in 3 of 129,072 chromosomes (freq: 0.00002), while the variant was not observed in the Latino, Ashkenazi Jewish, East Asian, Finnish, Other, and South Asian populations. The c.2684_2687del variant leads to a premature stop codon at position 895 which is predicted to lead to a truncated or absent protein and loss of function. Loss of function variants of the BRIP1 gene are an established mechanism of disease in Hereditary Breast and Ovarian Cancer and is the type of variant expected to cause the disorder. In summary, based on the above information this variant meets our laboratoryâ€šÃ„Ã´s criteria to be classified as pathogenic.

Literature cited by the submitters: PubMed 16116423 (cited by Labcorp Genetics (formerly Invitae), Labcorp and Sema4); PubMed 17033622 (cited by Labcorp Genetics (formerly Invitae), Labcorp and Sema4); PubMed 21964575 (cited by Labcorp Genetics (formerly Invitae), Labcorp and Sema4); PubMed 25330149 (cited by 6 submitters); PubMed 29368626 (cited by Dasa and Victorian Clinical Genetics Services, Murdoch Childrens Research Institute); PubMed 26720728 (cited by Dasa); PubMed 26315354 (cited by Dasa); PubMed 31173646 (cited by 3 submitters); PubMed 31512090 (cited by 3 submitters); PubMed 32885271 (cited by 4 submitters); PubMed 33471991 (cited by 4 submitters); PubMed 29961768 (cited by 3 submitters); PubMed 30680046 (cited by Color Diagnostics, LLC DBA Color Health); PubMed 28888541 (cited by Quest Diagnostics Nichols Institute San Juan Capistrano); PubMed 31589614 (cited by Sema4); PubMed 32295079 (cited by CZECANCA consortium).